The following is an entry in ClinVar:

ClinVar aggregate classification (germline): Uncertain significance (1 of 4 stars; one submission).

Conditions:
SLCO1B3-related disorder. Also called: SLCO1B3-related condition.

Submission:

PreventionGenetics, part of Exact Sciences
Classification: Uncertain significance for SLCO1B3-related condition. Last evaluated: 2025-09-03. Review status: criteria provided, single submitter. Criteria: ACMG Guidelines, 2015. Collection method: clinical testing. Allele origin: germline.
Comment: The SLCO1B3 c.1538A>G variant is predicted to result in the amino acid substitution p.Gln513Arg. To our knowledge, this variant has not been reported in the literature or in a large population database (gnomAD), indicating this variant is rare. At this time, the clinical significance of this variant is uncertain due to the absence of conclusive functional and genetic evidence.

NM_019844.4(SLCO1B3):c.1538A>G (p.Gln513Arg)

Genes: SLCO1B3 (solute carrier organic anion transporter family member 1B3; plus strand), SLCO1B3-SLCO1B7 (SLCO1B3-SLCO1B7 readthrough; plus strand). Cytogenetic location: 12p12.2.
Variant type: single nucleotide variant.
Coding change: c.1538A>G on transcript NM_019844.4 (MANE Select); coding-DNA position 1538, A replaced by G.
Protein change: p.Gln513Arg; replaces glutamine 513 with arginine.
Molecular consequence: missense variant.
Genome position (GRCh38, 1-based): chr12:20,883,458, A>G. VCF-style: chr12-20883458-A-G. GRCh37 (hg19) VCF-style: chr12-21036392-A-G.
Other names: c.1538A>G, p.Gln513Arg (NM_001371097.1); c.1454A>G, p.Gln485Arg (NM_001349920.2); short protein forms Q485R, Q513R.
Identifiers: ClinVar variation 5002340 (VCV005002340.1).
Genomic context (GRCh38, chr12:20,883,458, plus strand): 5'-ATTTCAAAAACTATTTTTAGGTGTTTTATAACTGTAGTTGTGTGGAAGTAACTGGTCTCC[A>G]GAACAGAAATTACTCAGCACACTTGGGTGAATGCCCAAGAGATAATACTTGTACAAGGAA-3'
Protein context (NP_062818.1, residues 503-523): NCSCVEVTGL[Gln513Arg]NRNYSAHLGE